The following is an entry in ClinVar:

NM_152468.5(TMC8):c.312A>G (p.Thr104=)

Genes: TMC6 (transmembrane channel like 6; minus strand), TMC8 (transmembrane channel like 8; plus strand), LOC130061793 (ATAC-STARR-seq lymphoblastoid silent region 9044; plus strand). Cytogenetic location: 17q25.3.
Variant type: single nucleotide variant.
Coding change: c.312A>G on transcript NM_152468.5 (MANE Select); coding-DNA position 312, A replaced by G.
Protein change: p.Thr104=; no amino-acid change (threonine 104 retained).
Molecular consequence: synonymous variant. On other transcripts: 5 prime UTR variant (1).
Genome position (GRCh38, 1-based): chr17:78,132,372, A>G. VCF-style: chr17-78132372-A-G. GRCh37 (hg19) VCF-style: chr17-76128453-A-G.
Other names: c.-106T>C (NM_007267.7).
Identifiers: ClinVar variation 2856617 (VCV002856617.6), dbSNP rs2510755982, ClinGen allele CA401241428.

ClinVar aggregate classification (germline): Likely benign. Review status: criteria provided, multiple submitters, no conflicts (2 of 4 stars). 3 submissions from 3 submitters: Likely benign (2). 1 of the submissions does not count toward it. Last evaluated 2024-09-21.

Conditions:
Epidermodysplasia verruciformis. Identifiers: Orphanet 302, MedGen C0014522, MONDO:0009176.
TMC8-related disorder. Also called: TMC8-related condition.

Submissions (3):

Blueprint Genetics
Classification: Likely benign. Last evaluated: 2024-09-21. Review status: criteria provided, single submitter. Criteria: ACMG Guidelines, 2015. Collection method: clinical testing. Allele origin: germline.

Labcorp Genetics (formerly Invitae), Labcorp
Classification: Likely benign for Epidermodysplasia verruciformis. Last evaluated: 2023-04-15. Review status: criteria provided, single submitter. Criteria: Invitae Variant Classification Sherloc (09022015). Collection method: clinical testing. Allele origin: germline.

PreventionGenetics, part of Exact Sciences
Classification: Likely benign for TMC8-related condition. Last evaluated: 2019-07-09. Review status: no assertion criteria provided. Collection method: clinical testing. Allele origin: germline. Not counted in ClinVar's aggregate classification.
Comment: This variant is classified as likely benign based on ACMG/AMP sequence variant interpretation guidelines (Richards et al. 2015 PMID: 25741868, with internal and published modifications).